The following is an entry in ClinVar:

ClinVar aggregate classification (germline): Uncertain significance (1 of 4 stars; one submission).

Conditions:
Developmental and epileptic encephalopathy 94 (DEE94). Also called: CHD2-Related Neurodevelopmental Disorders; Epileptic encephalopathy, childhood-onset. Identifiers: Orphanet 1942, Orphanet 2382, MedGen C3809278, MONDO:0014150, OMIM 615369.

Allele frequency attached by ClinVar (database versions not stated): gnomAD exomes below 0.00001; ExAC 0.00001.
gnomAD v4.1: 4 of 1,600,260 alleles (0.00025%); highest among the groups gnomAD compares: Non-Finnish European, 0.00034%; no homozygotes.

Submission:

Labcorp Genetics (formerly Invitae), Labcorp
Classification: Uncertain significance for Developmental and epileptic encephalopathy 94. Last evaluated: 2023-12-27. Review status: criteria provided, single submitter. Criteria: Invitae Variant Classification Sherloc (09022015). Collection method: clinical testing. Allele origin: germline.
Comment: This sequence change replaces glutamic acid, which is acidic and polar, with glycine, which is neutral and non-polar, at codon 149 of the CHD2 protein (p.Glu149Gly). The frequency data for this variant in the population databases is considered unreliable, as metrics indicate poor data quality at this position in the gnomAD database. This variant has not been reported in the literature in individuals affected with CHD2-related conditions. An algorithm developed to predict the effect of missense changes on protein structure and function (PolyPhen-2) suggests that this variant is likely to be tolerated. In summary, the available evidence is currently insufficient to determine the role of this variant in disease. Therefore, it has been classified as a Variant of Uncertain Significance.

NM_001271.4(CHD2):c.446A>G (p.Glu149Gly)

Gene: CHD2 (chromodomain helicase DNA binding protein 2; plus strand). Cytogenetic location: 15q26.1.
Variant type: single nucleotide variant.
Coding change: c.446A>G on transcript NM_001271.4 (MANE Select); coding-DNA position 446, A replaced by G.
Protein change: p.Glu149Gly; replaces glutamic acid 149 with glycine.
Molecular consequence: missense variant.
Genome position (GRCh38, 1-based): chr15:92,937,520, A>G. VCF-style: chr15-92937520-A-G. GRCh37 (hg19) VCF-style: chr15-93480750-A-G.
Other names: c.446A>G, p.Glu149Gly (NM_001042572.3); short protein forms E149G.
Identifiers: ClinVar variation 3005920 (VCV003005920.3), dbSNP rs780549048, ClinGen allele CA7747535.